The following is an entry in ClinVar:

ClinVar aggregate classification (germline): Pathogenic. Review status: criteria provided, multiple submitters, no conflicts (2 of 4 stars). 3 submissions from 3 submitters: Pathogenic (3). Last evaluated 2025-10-14.

Conditions:
Propionic acidemia (PROP). Also called: GLYCINEMIA, KETOTIC; HYPERGLYCINEMIA WITH KETOACIDOSIS AND LEUKOPENIA; KETOTIC HYPERGLYCINEMIA. Identifiers: Orphanet 35, MedGen C0268579, MONDO:0011628, OMIM 606054, HP:0003571.

Submissions (3):

Labcorp Genetics (formerly Invitae), Labcorp
Classification: Pathogenic for Propionic acidemia. Last evaluated: 2025-10-14. Review status: criteria provided, single submitter. Criteria: Invitae Variant Classification Sherloc (09022015). Collection method: clinical testing. Allele origin: germline.
Comment: This sequence change affects an acceptor splice site in intron 5 of the PCCA gene. It is expected to disrupt RNA splicing. Variants that disrupt the donor or acceptor splice site typically lead to a loss of protein function (PMID: 16199547), and loss-of-function variants in PCCA are known to be pathogenic (PMID: 15464417). This variant is not present in population databases (gnomAD no frequency). Disruption of this splice site has been observed in individual(s) with propionic acidemia (PMID: 22033733). ClinVar contains an entry for this variant (Variation ID: 1386877). Algorithms developed to predict the effect of sequence changes on RNA splicing suggest that this variant may disrupt the consensus splice site. For these reasons, this variant has been classified as Pathogenic.

Natera, Inc.
Classification: Pathogenic for Propionic acidemia. Last evaluated: 2025-01-01. Review status: criteria provided, single submitter. Criteria: Natera Variant Classification Schema (03/2026). Collection method: clinical testing. Allele origin: germline.
Comment: The c.415-2A>G variant in PCCA is a canonical splice acceptor site variant predicted to affect pre-mRNA splicing, which may result in an abnormal transcript and altered protein product. This variant is expected to result in nonsense mediated decay, truncation, or a dysfunctional protein product. This variant is rare in the general population with a frequency below the threshold expected for the associated phenotype(s). Another variant at this same site results in an alteration predicted to cause a similar molecular effect has been observed in individual(s) with the associated phenotype. Given the available evidence, this variant is classified as Pathogenic.

Neuberg Centre For Genomic Medicine, NCGM
Classification: Pathogenic for Propionic acidemia. Last evaluated: 2023-06-22. Review status: criteria provided, single submitter. Criteria: ACMG Guidelines, 2015. Collection method: clinical testing. Allele origin: germline. Inheritance: Autosomal recessive inheritance. Affected: yes.
Comment: The invariant splice acceptor variant (c.415-2A>G) in PCCA gene has been previously reported as a pathogenic variant in individuals affected with propionic acidemia (Desviat LR et al. 2004, Baralle D. et al. 2005, Kraus JP et al. 2012). Different basechange [c.415-2A>C] at the same position has been previously reported to disrupt this mRNA splice site in an individual affected with propionic acidemia (Kraus et al. 2012) The c.415-2A>G variant is absent in the gnomAD Exomes. This variant has been submitted to the ClinVar database as pathogenic. SpliceAI predicts this variant to cause splice acceptor loss (1.00) and splice acceptor gain (1.00). Loss of function variants have been previously reported to be disease causing (Desviat LR et al. 2004). For these reasons, this variant has been classified as Pathogenic.

Literature cited by the submitters: PubMed 16199547 (cited by Labcorp Genetics (formerly Invitae), Labcorp); PubMed 15464417 (cited by Labcorp Genetics (formerly Invitae), Labcorp); PubMed 22033733 (cited by Labcorp Genetics (formerly Invitae), Labcorp).

NM_000282.4(PCCA):c.415-2A>G

Gene: PCCA (propionyl-CoA carboxylase subunit alpha; plus strand). Cytogenetic location: 13q32.3.
Variant type: single nucleotide variant.
Coding change: c.415-2A>G on transcript NM_000282.4 (MANE Select); the canonical splice acceptor site of the intron before coding-DNA position 415, A replaced by G.
Molecular consequence: splice acceptor variant.
Genome position (GRCh38, 1-based): chr13:100,157,285, A>G. VCF-style: chr13-100157285-A-G. GRCh37 (hg19) VCF-style: chr13-100809539-A-G.
Other names: c.415-2A>G (NM_000282.3, NM_001178004.2, NM_001352605.2 and 2 more transcripts); c.-452-2A>G (NM_001352610.2, NM_001352611.2, NM_001352612.2); c.337-2A>G (NM_001127692.3, NM_001352607.2, NM_001352608.2).
Identifiers: ClinVar variation 1386877 (VCV001386877.10), dbSNP rs746286209, ClinGen allele CA388693806.